The following is an entry in ClinVar:

NM_004174.4(SLC9A3):c.782G>A (p.Gly261Asp)

Gene: SLC9A3 (solute carrier family 9 member A3). Cytogenetic location: 5p15.33.
Variant type: single nucleotide variant.
Coding change: c.782G>A on transcript NM_004174.4 (MANE Select); coding-DNA position 782, G replaced by A.
Protein change: p.Gly261Asp; replaces glycine 261 with aspartic acid.
Molecular consequence: missense variant.
Genome position (GRCh38, 1-based): chr5:484,670, C>T on the plus strand (G>A on the coding strand, the complement: SLC9A3 is on the minus strand). VCF-style: chr5-484670-C-T. GRCh37 (hg19) VCF-style: chr5-484785-C-T.
Other names: c.782G>A, p.Gly261Asp (NM_001284351.3); short protein forms G261D.
Identifiers: ClinVar variation 2189011 (VCV002189011.4), dbSNP rs1238322677, ClinGen allele CA359028681.

ClinVar aggregate classification (germline): Uncertain significance (1 of 4 stars; one submission).

Allele frequency attached by ClinVar (database versions not stated): TOPMed 0.00001; gnomAD 0.00002.
gnomAD v4.1: 5 of 1,612,688 alleles (0.00031%); highest among the groups gnomAD compares: Non-Finnish European, 0.00042%; no homozygotes.

Submission:

Labcorp Genetics (formerly Invitae), Labcorp
Classification: Uncertain significance. Last evaluated: 2022-05-06. Review status: criteria provided, single submitter. Criteria: Invitae Variant Classification Sherloc (09022015). Collection method: clinical testing. Allele origin: germline.
Comment: In summary, the available evidence is currently insufficient to determine the role of this variant in disease. Therefore, it has been classified as a Variant of Uncertain Significance. Algorithms developed to predict the effect of missense changes on protein structure and function are either unavailable or do not agree on the potential impact of this missense change (SIFT: "Not Available"; PolyPhen-2: "Probably Damaging"; Align-GVGD: "Not Available"). This variant has not been reported in the literature in individuals affected with SLC9A3-related conditions. This variant is not present in population databases (gnomAD no frequency). This sequence change replaces glycine, which is neutral and non-polar, with aspartic acid, which is acidic and polar, at codon 261 of the SLC9A3 protein (p.Gly261Asp).